The following is an entry in ClinVar:

ClinVar aggregate classification (germline): Uncertain significance. Review status: criteria provided, multiple submitters, no conflicts (2 of 4 stars). 2 submissions from 2 submitters: Uncertain significance (2). Last evaluated 2025-05-20.

Conditions:
Glycogen storage disease, type II (IOPD). Also called: Glucosidase acid-1,4-alpha deficiency; Pompe Disease; POMPE DISEASE, INFANTILE-ONSET; GLYCOGEN STORAGE DISEASE II, INFANTILE-ONSET; ACID ALPHA-GLUCOSIDASE DEFICIENCY, INFANTILE-ONSET; GAA DEFICIENCY, INFANTILE-ONSET. Identifiers: Orphanet 365, MedGen C0017921, MONDO:0009290, OMIM 232300.

Allele frequency attached by ClinVar (database versions not stated): gnomAD 0.00001.

Submissions (2):

GeneDx
Classification: Uncertain significance. Last evaluated: 2025-05-20. Review status: criteria provided, single submitter. Criteria: GeneDx Variant Classification Process June 2021. Collection method: clinical testing. Allele origin: germline. Affected: yes.
Comment: Not observed at significant frequency in large population cohorts (gnomAD); In silico analysis supports that this missense variant has a deleterious effect on protein structure/function; Has not been previously published as pathogenic or benign to our knowledge; This variant is associated with the following publications: (PMID: 19343043, 22253258)

Labcorp Genetics (formerly Invitae), Labcorp
Classification: Uncertain significance for Glycogen storage disease, type II. Last evaluated: 2017-05-29. Review status: criteria provided, single submitter. Criteria: Invitae Variant Classification Sherloc (09022015). Collection method: clinical testing. Allele origin: germline.
Comment: This sequence change replaces glutamine with histidine at codon 323 of the GAA protein (p.Gln323His). The glutamine residue is highly conserved and there is a small physicochemical difference between glutamine and histidine. This variant is not present in population databases (ExAC no frequency). This variant has not been reported in the literature in individuals with a GAA-related disease. Algorithms developed to predict the effect of missense changes on protein structure and function do not agree on the potential impact of this missense change (SIFT: "Deleterious"; PolyPhen-2: "Probably Damaging"; Align-GVGD: "Class C0"). In summary, this variant has uncertain impact on GAA function. The available evidence is currently insufficient to determine its role in disease. Therefore, it has been classified as a Variant of Uncertain Significance.

NM_000152.5(GAA):c.969G>T (p.Gln323His)

Gene: GAA (alpha glucosidase; plus strand). Cytogenetic location: 17q25.3.
Variant type: single nucleotide variant.
Coding change: c.969G>T on transcript NM_000152.5 (MANE Select); coding-DNA position 969, G replaced by T.
Protein change: p.Gln323His; replaces glutamine 323 with histidine.
Molecular consequence: missense variant.
Genome position (GRCh38, 1-based): chr17:80,108,303, G>T. VCF-style: chr17-80108303-G-T. GRCh37 (hg19) VCF-style: chr17-78082102-G-T.
Other names: c.969G>T, p.Gln323His (NM_001079803.3, NM_001079804.3); c.969G>T (LRG_673t1); short protein forms Q323H.
Identifiers: ClinVar variation 456445 (VCV000456445.9), dbSNP rs1266693289, ClinGen allele CA401364411.